The following is an entry in ClinVar:

ClinVar aggregate classification (germline): Uncertain significance. Review status: criteria provided, multiple submitters, no conflicts (2 of 4 stars). 2 submissions from 2 submitters: Uncertain significance (2). Last evaluated 2025-10-27.

Conditions:
Alagille syndrome due to a JAG1 point mutation. Also called: HEPATIC DUCTULAR HYPOPLASIA, SYNDROMATIC; JAG1-Related Alagille Syndrome; Alagille Syndrome 1. Identifiers: Orphanet 261619, Orphanet 52, MedGen C1956125, MONDO:0016862, OMIM 118450.
JAG1-related disorder. Also called: JAG1-related disorders; JAG1-related condition.

Submissions (2):

Labcorp Genetics (formerly Invitae), Labcorp
Classification: Uncertain significance for Alagille syndrome due to a JAG1 point mutation. Last evaluated: 2025-10-27. Review status: criteria provided, single submitter. Criteria: Invitae Variant Classification Sherloc (09022015). Collection method: clinical testing. Allele origin: germline.
Comment: This variant, c.134_154del, results in the deletion of 7 amino acid(s) of the JAG1 protein (p.Val45_Asn51del), but otherwise preserves the integrity of the reading frame. This variant is present in population databases (no rsID available, gnomAD 0.009%). This variant has not been reported in the literature in individuals affected with JAG1-related conditions. ClinVar contains an entry for this variant (Variation ID: 1461464). Experimental studies and prediction algorithms are not available or were not evaluated, and the functional significance of this variant is currently unknown. In summary, the available evidence is currently insufficient to determine the role of this variant in disease. Therefore, it has been classified as a Variant of Uncertain Significance.

PreventionGenetics, part of Exact Sciences
Classification: Uncertain significance for JAG1-related condition. Last evaluated: 2023-04-10. Review status: criteria provided, single submitter. Criteria: ACMG Guidelines, 2015. Collection method: clinical testing. Allele origin: germline.
Comment: The JAG1 c.134_154del21 variant is predicted to result in an in-frame deletion (p.Val45_Asn51del). To our knowledge, this variant has not been reported in the literature. This variant is reported in 0.0058% of alleles in individuals of Latino descent in gnomAD. At this time, the clinical significance of this variant is uncertain due to the absence of conclusive functional and genetic evidence.

NM_000214.3(JAG1):c.134_154del (p.Val45_Asn51del)

Gene: JAG1 (jagged canonical Notch ligand 1; minus strand). Cytogenetic location: 20p12.2.
Variant type: Deletion.
Coding change: c.134_154del on transcript NM_000214.3 (MANE Select); coding-DNA positions 134 to 154, 21 bases deleted (TGAACGGGGAGCTGCAGAACG).
Protein change: p.Val45_Asn51del.
Molecular consequence: inframe deletion.
Genome position (GRCh38, 1-based): chr20:10,672,934-10,672,954, CGTTCTGCAGCTCCCCGTTCA deleted on the plus strand (TGAACGGGGAGCTGCAGAACG on the coding strand, the reverse complement: JAG1 is on the minus strand); deleting any 21 consecutive bases within chr20:10,672,934-10,672,963 gives the same sequence; the c. name uses the placement nearest the transcript's 3' end. VCF-style (leftmost placement, unchanged base first): chr20-10672933-CCGTTCTGCAGCTCCCCGTTCA-C. GRCh37 (hg19) VCF-style: chr20-10653581-CCGTTCTGCAGCTCCCCGTTCA-C.
Other names: c.134_154del21 (NM_000214.2).
Identifiers: ClinVar variation 1461464 (VCV001461464.6), dbSNP rs1345611817, ClinGen allele CA634801982.